The following is an entry in ClinVar:

NM_177438.3(DICER1):c.1049C>G (p.Thr350Ser)

Gene: DICER1 (dicer 1, ribonuclease III; minus strand). Cytogenetic location: 14q32.13.
Variant type: single nucleotide variant.
Coding change: c.1049C>G on transcript NM_177438.3 (MANE Select); coding-DNA position 1049, C replaced by G.
Protein change: p.Thr350Ser; replaces threonine 350 with serine.
Molecular consequence: missense variant. On other transcripts: 5 prime UTR variant (1), non-coding transcript variant (6).
Genome position (GRCh38, 1-based): chr14:95,124,523, G>C on the plus strand (C>G on the coding strand, the complement: DICER1 is on the minus strand). VCF-style: chr14-95124523-G-C. GRCh37 (hg19) VCF-style: chr14-95590860-G-C.
Other names: c.1049C>G, p.Thr350Ser (NM_001195573.1, NM_001271282.3, NM_001291628.2 and 15 more transcripts); c.767C>G, p.Thr256Ser (NM_001395686.1); c.644C>G, p.Thr215Ser (NM_001395687.1, NM_001395688.1, NM_001395689.1 and 3 more transcripts); c.482C>G, p.Thr161Ser (NM_001395691.1); c.-520C>G (NM_001395697.1); short protein forms T215S, T350S, T161S, T256S.
Identifiers: ClinVar variation 2451710 (VCV002451710.5), dbSNP rs2543182936, ClinGen allele CA390887073.

ClinVar aggregate classification (germline): Uncertain significance. Review status: criteria provided, multiple submitters, no conflicts (2 of 4 stars). 2 submissions from 2 submitters: Uncertain significance (2). Last evaluated 2023-03-22.

Conditions:
Hereditary cancer-predisposing syndrome. Also called: Hereditary neoplastic syndrome; Tumor predisposition; Neoplastic Syndromes, Hereditary; Hereditary Cancer Syndrome. Identifiers: Orphanet 140162, MedGen C0027672, MeSH D009386, MONDO:0015356.
DICER1-related tumor predisposition. Also called: DICER1 syndrome; DICER1-related pleuropulmonary blastoma cancer predisposition syndrome. Identifiers: Orphanet 284343, MedGen C3839822, MONDO:0100216.

Submissions (2):

Labcorp Genetics (formerly Invitae), Labcorp
Classification: Uncertain significance for DICER1-related tumor predisposition. Last evaluated: 2023-03-22. Review status: criteria provided, single submitter. Criteria: Invitae Variant Classification Sherloc (09022015). Collection method: clinical testing. Allele origin: germline.
Comment: This sequence change replaces threonine, which is neutral and polar, with serine, which is neutral and polar, at codon 350 of the DICER1 protein (p.Thr350Ser). This variant is not present in population databases (gnomAD no frequency). This variant has not been reported in the literature in individuals affected with DICER1-related conditions. Advanced modeling of protein sequence and biophysical properties (such as structural, functional, and spatial information, amino acid conservation, physicochemical variation, residue mobility, and thermodynamic stability) performed at Invitae indicates that this missense variant is not expected to disrupt DICER1 protein function. In summary, the available evidence is currently insufficient to determine the role of this variant in disease. Therefore, it has been classified as a Variant of Uncertain Significance.

Ambry Genetics
Classification: Uncertain significance for Hereditary cancer-predisposing syndrome. Last evaluated: 2023-01-12. Review status: criteria provided, single submitter. Criteria: Ambry Variant Classification Scheme 2023. Collection method: clinical testing. Allele origin: germline.
Comment: The p.T350S variant (also known as c.1049C>G), located in coding exon 7 of the DICER1 gene, results from a C to G substitution at nucleotide position 1049. The threonine at codon 350 is replaced by serine, an amino acid with similar properties. This amino acid position is conserved. In addition, this alteration is predicted to be tolerated by in silico analysis. Since supporting evidence is limited at this time, the clinical significance of this alteration remains unclear.